The following is an entry in ClinVar:

ClinVar aggregate classification (germline): Benign. Review status: criteria provided, multiple submitters, no conflicts (2 of 4 stars). 3 submissions from 3 submitters: Benign (3). Last evaluated 2020-03-16.

Conditions:
Vitamin D-dependent rickets type II with alopecia (VDDR2A). Also called: GENERALIZED RESISTANCE TO 1,25-DIHYDROXYVITAMIN D; HYPOCALCEMIC VITAMIN D-RESISTANT RICKETS; PDDR IIA; PSEUDOVITAMIN D-DEFICIENCY, TYPE IIA; RICKETS, HEREDITARY VITAMIN D-RESISTANT; RICKETS-ALOPECIA SYNDROME. Identifiers: Orphanet 93160, MedGen C0342646, MONDO:0010186, OMIM 277440.

Allele frequency attached by ClinVar (database versions not stated): 1000 Genomes Project 0.16613; 1000 Genomes Project 30x 0.16693; TOPMed 0.25304.
gnomAD v4.1: 314,971 of 984,234 alleles (32%); highest among the groups gnomAD compares: Non-Finnish European, 34%; 52,499 homozygotes.

Submissions (3):

Blueprint Genetics
Classification: Benign. Last evaluated: 2020-03-16. Review status: criteria provided, single submitter. Criteria: ACMG Guidelines, 2015. Collection method: clinical testing. Allele origin: germline.

Illumina Laboratory Services, Illumina
Classification: Benign for Vitamin D-dependent rickets type II with alopecia. Last evaluated: 2018-01-12. Review status: criteria provided, single submitter. Criteria: ICSL Variant Classification Criteria 13 December 2019. Collection method: clinical testing. Allele origin: germline.
Comment: This variant was observed in the ICSL laboratory as part of a predisposition screen in an ostensibly healthy population. It had not been previously curated by ICSL or reported in the Human Gene Mutation Database (HGMD: prior to June 1st, 2018), and was therefore a candidate for classification through an automated scoring system. Utilizing variant allele frequency, disease prevalence and penetrance estimates, and inheritance mode, an automated score was calculated to assess if this variant is too frequent to cause the disease. Based on the score and internal cut-off values, a variant classified as benign is not then subjected to further curation. The score for this variant resulted in a classification of benign for this disease.

Breakthrough Genomics
Classification: Benign. Review status: criteria provided, single submitter. Criteria: ACMG Guidelines, 2015. Collection method: not provided. Allele origin: germline. Inheritance: Autosomal recessive inheritance. Affected: yes.

NM_000376.3(VDR):c.-84+5022C>A

Gene: VDR (vitamin D receptor; minus strand). Cytogenetic location: 12q13.11.
Variant type: single nucleotide variant.
Coding change: c.-84+5022C>A on transcript NM_000376.3 (MANE Select); 5022 bases into the intron after 84 bases upstream of the start codon, C replaced by A.
Molecular consequence: intron variant. On other transcripts: 5 prime UTR variant (2).
Genome position (GRCh38, 1-based): chr12:47,899,933, G>T on the plus strand (C>A on the coding strand, the complement: VDR is on the minus strand). VCF-style: chr12-47899933-G-T. GRCh37 (hg19) VCF-style: chr12-48293716-G-T.
Other names: c.-180C>A (NM_001017535.2); c.-99C>A (NM_001374661.1); c.-3+5022C>A (NM_001374662.1); c.-84+5022C>A (NM_001364085.2); c.67+4631C>A (NM_001017536.2).
Identifiers: ClinVar variation 308891 (VCV000308891.7), dbSNP rs11168293, ClinGen allele CA10641317.